The following is an entry in ClinVar:

ClinVar aggregate classification (germline): Pathogenic/Likely pathogenic. Review status: criteria provided, multiple submitters, no conflicts (2 of 4 stars). 4 submissions from 4 submitters: Pathogenic (2); Likely pathogenic (1). 1 of the submissions does not count toward it. Last evaluated 2025-01-22.

Conditions:
Nemaline myopathy 2 (NEM2). Also called: Nemaline myopathy 2, autosomal recessive. Identifiers: MedGen C1850569, MONDO:0009725, OMIM 256030.
Arthrogryposis multiplex congenita 6. Identifiers: MedGen C5543431, MONDO:0030281, OMIM 619334.
Nemaline myopathy. Also called: Myopathies, Nemaline. Identifiers: Orphanet 607, MedGen C0206157, MONDO:0018958.

Allele frequency attached by ClinVar (database versions not stated): gnomAD exomes below 0.00001 and 0.00001.

Submissions (4):

Women's Health and Genetics/Laboratory Corporation of America, LabCorp
Classification: Pathogenic for Nemaline myopathy. Last evaluated: 2025-01-22. Review status: criteria provided, single submitter. Criteria: LabCorp Variant Classification Summary - May 2015. Collection method: clinical testing. Allele origin: germline.
Comment: Variant summary: NEB c.22746delG (p.Met7582IlefsX5) results in a premature termination codon, predicted to cause absence of the protein due to nonsense mediated decay, which is a commonly known mechanism for disease. The variant allele was found at a frequency of 4e-06 in 248974 control chromosomes. c.22746delG has been reported in the literature in at-least two individuals affected with Nemaline Myopathy 2 (example, Pelin_1999). These data indicate that the variant is likely to be associated with disease. To our knowledge, no experimental evidence demonstrating an impact on protein function has been reported. The following publication has been ascertained in the context of this evaluation (PMID: 10051637). ClinVar contains an entry for this variant (Variation ID: 14046). Based on the evidence outlined above, the variant was classified as pathogenic.

Fulgent Genetics
Classification: Likely pathogenic for Nemaline myopathy 2; Arthrogryposis multiplex congenita 6. Last evaluated: 2024-04-05. Review status: criteria provided, single submitter. Criteria: ACMG Guidelines, 2015. Collection method: clinical testing. Allele origin: germline.

Labcorp Genetics (formerly Invitae), Labcorp
Classification: Pathogenic for Nemaline myopathy 2. Last evaluated: 2023-11-10. Review status: criteria provided, single submitter. Criteria: Invitae Variant Classification Sherloc (09022015). Collection method: clinical testing. Allele origin: germline.
Comment: This sequence change creates a premature translational stop signal (p.Met7582Ilefs*5) in the NEB gene. It is expected to result in an absent or disrupted protein product. Loss-of-function variants in NEB are known to be pathogenic (PMID: 25205138). This variant is present in population databases (no rsID available, gnomAD 0.0009%). This variant has not been reported in the literature in individuals affected with NEB-related conditions. ClinVar contains an entry for this variant (Variation ID: 14046). Experimental studies and prediction algorithms are not available or were not evaluated, and the functional significance of this variant is currently unknown. Algorithms developed to predict the effect of sequence changes on RNA splicing suggest that this variant may disrupt the consensus splice site. For these reasons, this variant has been classified as Pathogenic.

OMIM
Classification: Pathogenic for NEMALINE MYOPATHY 2. Last evaluated: 1999-03-02. Review status: no assertion criteria provided. Collection method: literature only. Allele origin: germline. Not counted in ClinVar's aggregate classification.

Literature cited by the submitters: PubMed 10051637 (cited by Women's Health and Genetics/Laboratory Corporation of America, LabCorp and OMIM); PubMed 25205138 (cited by Labcorp Genetics (formerly Invitae), Labcorp).

NM_001164508.2(NEB):c.22641del (p.Met7547fs)

Genes: NEB (nebulin; minus strand), RIF1 (replication timing regulatory factor 1; plus strand). Cytogenetic location: 2q23.3.
Variant type: Deletion.
Coding change: c.22641del on transcript NM_001164508.2 (MANE Select); coding-DNA position 22641, one base deleted (G; older notation c.22641delG).
Protein change: p.Met7547fs; shifts the reading frame from methionine 7547.
Molecular consequence: frameshift variant.
Genome position (GRCh38, 1-based): chr2:151,519,019, C deleted on the plus strand (G on the coding strand, the reverse complement: NEB is on the minus strand). VCF-style (leftmost placement, unchanged base first): chr2-151519018-TC-T. GRCh37 (hg19) VCF-style: chr2-152375532-TC-T.
Other names: c.22641del, p.Met7547fs (NM_001164507.2); c.22746del, p.Met7582fs (NM_001271208.2); c.17538del, p.Met5846fs (NM_004543.5); c.22746delG (NM_001271208.2); short protein forms M5846fs, M7547fs, M7582fs.
Identifiers: ClinVar variation 14046 (VCV000014046.13), dbSNP rs1057515573, ClinGen allele CA16040599.
Genomic context (GRCh38, chr2:151,519,018, plus strand): 5'-AGCTTACAGAACTGGCAAGTTGGCTTGTATTCAGGACATGATTCATGATCAGAGACTCCT[TC>T]ATGTCAGTCACGGGTTTGTGAAGTTTCTTCAGGTCAGCCTTGTATTTAACCTGTGTGTTA-3'